The following is an entry in ClinVar:

ClinVar aggregate classification (germline): Likely pathogenic (1 of 4 stars; one submission).

Conditions:
Sphingolipid activator protein 1 deficiency. Also called: Metachromatic leukodystrophy due to saposin B deficiency; Saposin B Deficiency; METACHROMATIC LEUKODYSTROPHY DUE TO CEREBROSIDE SULFATASE ACTIVATOR DEFICIENCY. Identifiers: Orphanet 512, MedGen C0268262, MONDO:0009590, OMIM 249900.

Submission:

Labcorp Genetics (formerly Invitae), Labcorp
Classification: Likely pathogenic for Sphingolipid activator protein 1 deficiency. Last evaluated: 2022-12-10. Review status: criteria provided, single submitter. Criteria: Invitae Variant Classification Sherloc (09022015). Collection method: clinical testing. Allele origin: germline.
Comment: This sequence change affects an acceptor splice site in intron 10 of the PSAP gene. It is expected to disrupt RNA splicing. Variants that disrupt the donor or acceptor splice site typically lead to a loss of protein function (PMID: 16199547), and loss-of-function variants in PSAP are known to be pathogenic (PMID: 8554069, 11309366, 17616409, 19267410, 30632081). This variant is not present in population databases (gnomAD no frequency). This variant has not been reported in the literature in individuals affected with PSAP-related conditions. Algorithms developed to predict the effect of sequence changes on RNA splicing suggest that this variant may disrupt the consensus splice site. In summary, the currently available evidence indicates that the variant is pathogenic, but additional data are needed to prove that conclusively. Therefore, this variant has been classified as Likely Pathogenic.

Literature cited by the submitters: PubMed 16199547; PubMed 8554069; PubMed 11309366; PubMed 17616409; PubMed 19267410; PubMed 30632081.

NM_002778.4(PSAP):c.1193-1G>C

Gene: PSAP (prosaposin; minus strand). Cytogenetic location: 10q22.1.
Variant type: single nucleotide variant.
Coding change: c.1193-1G>C on transcript NM_002778.4 (MANE Select); the canonical splice acceptor site of the intron before coding-DNA position 1193, G replaced by C.
Molecular consequence: splice acceptor variant.
Genome position (GRCh38, 1-based): chr10:71,819,623, C>G on the plus strand (G>C on the coding strand, the complement: PSAP is on the minus strand). VCF-style: chr10-71819623-C-G. GRCh37 (hg19) VCF-style: chr10-73579380-C-G.
Other names: c.1199-1G>C (NM_001042466.3); c.1202-1G>C (NM_001042465.3).
Identifiers: ClinVar variation 2820032 (VCV002820032.3), dbSNP rs2494497146, ClinGen allele CA377143842.